The following is an entry in ClinVar:

ClinVar aggregate classification (germline): Uncertain significance. Review status: criteria provided, multiple submitters, no conflicts (2 of 4 stars). 3 submissions from 3 submitters: Uncertain significance (3). Last evaluated 2024-05-07.

Conditions:
Tuberous sclerosis 2 (TSC2). Identifiers: Orphanet 805, MedGen C1860707, MONDO:0013199, OMIM 613254.
Hereditary cancer-predisposing syndrome. Also called: Hereditary Cancer Syndrome; Tumor predisposition; Hereditary neoplastic syndrome; Neoplastic Syndromes, Hereditary. Identifiers: Orphanet 140162, MedGen C0027672, MeSH D009386, MONDO:0015356.

Submissions (3):

Ambry Genetics
Classification: Uncertain significance for Hereditary cancer-predisposing syndrome. Last evaluated: 2024-05-07. Review status: criteria provided, single submitter. Criteria: Ambry Variant Classification Scheme 2023. Collection method: clinical testing. Allele origin: germline.
Comment: The p.P1777H variant (also known as c.5330C>A), located in coding exon 41 of the TSC2 gene, results from a C to A substitution at nucleotide position 5330. The proline at codon 1777 is replaced by histidine, an amino acid with similar properties. This amino acid position is conserved. In addition, the in silico prediction for this alteration is inconclusive. Based on the available evidence, the clinical significance of this variant remains unclear.

Labcorp Genetics (formerly Invitae), Labcorp
Classification: Uncertain significance for Tuberous sclerosis 2. Last evaluated: 2023-03-12. Review status: criteria provided, single submitter. Criteria: Invitae Variant Classification Sherloc (09022015). Collection method: clinical testing. Allele origin: germline.
Comment: In summary, the available evidence is currently insufficient to determine the role of this variant in disease. Therefore, it has been classified as a Variant of Uncertain Significance. Advanced modeling of protein sequence and biophysical properties (such as structural, functional, and spatial information, amino acid conservation, physicochemical variation, residue mobility, and thermodynamic stability) performed at Invitae indicates that this missense variant is not expected to disrupt TSC2 protein function. ClinVar contains an entry for this variant (Variation ID: 871743). This variant has not been reported in the literature in individuals affected with TSC2-related conditions. This variant is not present in population databases (gnomAD no frequency). This sequence change replaces proline, which is neutral and non-polar, with histidine, which is basic and polar, at codon 1777 of the TSC2 protein (p.Pro1777His).

CeGaT Center for Human Genetics Tuebingen
Classification: Uncertain significance. Last evaluated: 2019-12-01. Review status: criteria provided, single submitter. Criteria: CeGaT Center For Human Genetics Tuebingen Variant Classification Criteria Version 2. Collection method: clinical testing. Allele origin: germline. Affected: yes. Observed: 1 variant allele.

NM_000548.5(TSC2):c.5330C>A (p.Pro1777His)

Gene: TSC2 (TSC complex subunit 2; plus strand). Cytogenetic location: 16p13.3.
Variant type: single nucleotide variant.
Coding change: c.5330C>A on transcript NM_000548.5 (MANE Select); coding-DNA position 5330, C replaced by A.
Protein change: p.Pro1777His; replaces proline 1777 with histidine.
Molecular consequence: missense variant.
Genome position (GRCh38, 1-based): chr16:2,088,516, C>A. VCF-style: chr16-2088516-C-A. GRCh37 (hg19) VCF-style: chr16-2138517-C-A.
Other names: c.5129C>A, p.Pro1710His (NM_001077183.3); c.5261C>A, p.Pro1754His (NM_001114382.3); c.5021C>A, p.Pro1674His (NM_001318827.2); c.4985C>A, p.Pro1662His (NM_001318829.2); c.4598C>A, p.Pro1533His (NM_001318831.2); c.5162C>A, p.Pro1721His (NM_001318832.2); c.5132C>A, p.Pro1711His (NM_001363528.2); c.5198C>A, p.Pro1733His (NM_001370404.1); and 3 more; short protein forms P1721H, P1777H, P1674H, P1711H, P1662H, P1710H, P1730H, P1734H.
Identifiers: ClinVar variation 871743 (VCV000871743.46), dbSNP rs1555441353, ClinGen allele CA394315601.
Genomic context (GRCh38, chr16:2,088,516, plus strand): 5'-AAGCCGCCTACTCCAACCCCAGCCTACCTCTGGTGCACCCTCCGTCCCATAGCAAAGCCC[C>A]TGCACAGACTCCAGCCGAGCCCACACCTGGCTATGAGGTGGGCCAGCGGAAGCGCCTCAT-3'
Protein context (NP_000539.2, residues 1767-1787): LVHPPSHSKA[Pro1777His]AQTPAEPTPG